The following is an entry in ClinVar:

ClinVar aggregate classification (germline): Likely benign. Review status: criteria provided, multiple submitters, no conflicts (2 of 4 stars). 9 submissions from 8 submitters: Likely benign (8). 1 of the submissions does not count toward it. Last evaluated 2026-08-25.

Conditions:
SOS1-related disorder. Also called: SOS1-related condition.
Cardiovascular phenotype. Identifiers: MedGen CN230736.
RASopathy. Also called: Noonan spectrum disorder; rasopathies. Identifiers: Orphanet 536391, MedGen C5555857, MONDO:0021060.
Noonan syndrome (NS). Also called: Noonan's syndrome. Identifiers: Orphanet 648, MedGen C0028326, MeSH D009634, MONDO:0018997. Disease mechanism: gain of function.
Fibromatosis, gingival, 1 (GINGF1). Identifiers: Orphanet 2024, MedGen C4551558, MONDO:0007609, OMIM 135300.
Noonan syndrome 4 (NS4). Also called: SOS1-Related Noonan Syndrome; NOONAN SYNDROME WITH PIGMENTED VILLONODULAR SYNOVITIS. Identifiers: Orphanet 648, MedGen C1853120, MONDO:0012547, OMIM 610733.

Allele frequency attached by ClinVar (database versions not stated): ExAC 0.00001; gnomAD exomes 0.00001; gnomAD 0.00002; TOPMed 0.00004.
gnomAD v4.1: 27 of 1,606,212 alleles (0.0017%); highest among the groups gnomAD compares: Middle Eastern, 0.033%; no homozygotes.

Submissions (9):

PreventionGenetics, part of Exact Sciences
Classification: Likely benign for SOS1-related condition. Last evaluated: 2026-08-25. Review status: criteria provided, single submitter. Criteria: ACMG Guidelines, 2015. Collection method: clinical testing. Allele origin: germline.
Comment: This variant is classified as likely benign based on ACMG/AMP sequence variant interpretation guidelines (Richards et al. 2015 PMID: 25741868, with internal and published modifications).

Labcorp Genetics (formerly Invitae), Labcorp
Classification: Likely benign for RASopathy. Last evaluated: 2026-01-22. Review status: criteria provided, single submitter. Criteria: Invitae Variant Classification Sherloc (09022015). Collection method: clinical testing. Allele origin: germline.

Blueprint Genetics
Classification: Likely benign. Last evaluated: 2024-10-08. Review status: criteria provided, single submitter. Criteria: ACMG Guidelines, 2015. Collection method: clinical testing. Allele origin: germline.

Ambry Genetics
Classification: Likely benign for Cardiovascular phenotype. Last evaluated: 2023-03-13. Review status: criteria provided, single submitter. Criteria: Ambry Variant Classification Scheme 2023. Collection method: clinical testing. Allele origin: germline.

Women's Health and Genetics/Laboratory Corporation of America, LabCorp
Classification: Likely benign. Last evaluated: 2021-10-02. Review status: criteria provided, single submitter. Criteria: LabCorp Variant Classification Summary - May 2015. Collection method: clinical testing. Allele origin: germline.

GeneDx
Classification: Likely benign. Last evaluated: 2015-11-02. Review status: criteria provided, single submitter. Criteria: GeneDx Variant Classification (06012015). Collection method: clinical testing. Allele origin: germline. Affected: yes.
Comment: This variant is considered likely benign or benign based on one or more of the following criteria: it is a conservative change, it occurs at a poorly conserved position in the protein, it is predicted to be benign by multiple in silico algorithms, and/or has population frequency not consistent with disease.

Genome-Nilou Lab
Classification: Likely benign for Noonan syndrome 4. Review status: criteria provided, single submitter. Criteria: ACMG Guidelines, 2015. Collection method: clinical testing. Allele origin: germline.

Genome-Nilou Lab
Classification: Likely benign for Fibromatosis, gingival, 1. Review status: criteria provided, single submitter. Criteria: ACMG Guidelines, 2015. Collection method: clinical testing. Allele origin: germline.

ARUP Laboratories, Molecular Genetics and Genomics, ARUP Laboratories
Classification: Likely benign for Noonan syndrome. Last evaluated: 2013-08-27. Review status: no assertion criteria provided. Collection method: clinical testing. Allele origin: unknown. Affected: yes. Observed: 1 variant allele. Not counted in ClinVar's aggregate classification.

NM_005633.4(SOS1):c.396A>T (p.Ala132=)

Gene: SOS1 (SOS Ras/Rac guanine nucleotide exchange factor 1; minus strand). Cytogenetic location: 2p22.1.
Variant type: single nucleotide variant.
Coding change: c.396A>T on transcript NM_005633.4 (MANE Select); coding-DNA position 396, A replaced by T.
Protein change: p.Ala132=; no amino-acid change (alanine 132 retained).
Molecular consequence: synonymous variant.
Genome position (GRCh38, 1-based): chr2:39,056,816, T>A on the plus strand (A>T on the coding strand, the complement: SOS1 is on the minus strand). VCF-style: chr2-39056816-T-A. GRCh37 (hg19) VCF-style: chr2-39283957-T-A.
Other names: c.375A>T, p.Ala125= (NM_001382394.1); c.396A>T, p.Ala132= (NM_001382395.1).
Identifiers: ClinVar variation 180171 (VCV000180171.24), dbSNP rs727505385, ClinGen allele CA273705.
Genomic context (GRCh38, chr2:39,056,816, plus strand): 5'-TATATTTCTTACATAATTCCCAACCAGCTTTAAAATGTCTGCAGAAATGTATTCTAAGAC[T>A]GCTACTATGTAAACAGAAACCTGGTGGTCAATTTTATAACCTAGGACCTCCTGCAAAATT-3'
Protein context (NP_005624.2, residues 122-142): IDHQVSVYIV[Ala132=]VLEYISADIL